The following is an entry in ClinVar:

ClinVar aggregate classification (germline): Uncertain significance (1 of 4 stars; one submission).

Submission:

Labcorp Genetics (formerly Invitae), Labcorp
Classification: Uncertain significance. Last evaluated: 2021-10-16. Review status: criteria provided, single submitter. Criteria: Invitae Variant Classification Sherloc (09022015). Collection method: clinical testing. Allele origin: germline.
Comment: In summary, the available evidence is currently insufficient to determine the role of this variant in disease. Therefore, it has been classified as a Variant of Uncertain Significance. Variants that disrupt the consensus splice site are a relatively common cause of aberrant splicing (PMID: 17576681, 9536098). Algorithms developed to predict the effect of sequence changes on RNA splicing suggest that this variant may disrupt the consensus splice site. This variant has not been reported in the literature in individuals affected with CNGB3-related conditions. This variant is not present in population databases (gnomAD no frequency). This sequence change affects an acceptor splice site in intron 17 of the CNGB3 gene. While this variant is not anticipated to result in nonsense mediated decay, it likely alters RNA splicing and results in a disrupted protein product.

Literature cited by the submitters: PubMed 17576681; PubMed 9536098.

NM_019098.5(CNGB3):c.2104-2A>G

Gene: CNGB3 (cyclic nucleotide gated channel subunit beta 3; minus strand). Cytogenetic location: 8q21.3.
Variant type: single nucleotide variant.
Coding change: c.2104-2A>G on transcript NM_019098.5 (MANE Select); the canonical splice acceptor site of the intron before coding-DNA position 2104, A replaced by G.
Molecular consequence: splice acceptor variant.
Genome position (GRCh38, 1-based): chr8:86,576,132, T>C on the plus strand (A>G on the coding strand, the complement: CNGB3 is on the minus strand). VCF-style: chr8-86576132-T-C. GRCh37 (hg19) VCF-style: chr8-87588360-T-C.
Identifiers: ClinVar variation 1487663 (VCV001487663.6), dbSNP rs2131529676, ClinGen allele CA371446687.
Genomic context (GRCh38, chr8:86,576,132, plus strand): 5'-TTTTGTTTATCTTCATTTTCTTTTCCTTCTTCCTCTCCTCCTTCAGAATTTTCTTTCTTC[T>C]GGAAGGAGCAATTACAAAGAACTGGTGTTGAAATCGTAATTAAAAACATTGGATTAGATT-3'